The following is an entry in ClinVar:

NM_020822.3(KCNT1):c.3660C>G (p.His1220Gln)

Gene: KCNT1 (potassium sodium-activated channel subfamily T member 1; plus strand). Cytogenetic location: 9q34.3.
Variant type: single nucleotide variant.
Coding change: c.3660C>G on transcript NM_020822.3 (MANE Select); coding-DNA position 3660, C replaced by G.
Protein change: p.His1220Gln; replaces histidine 1220 with glutamine.
Molecular consequence: missense variant.
Genome position (GRCh38, 1-based): chr9:135,792,113, C>G. VCF-style: chr9-135792113-C-G. GRCh37 (hg19) VCF-style: chr9-138683959-C-G.
Other names: c.3660C>G (NM_020822.2); c.3588C>G, p.His1196Gln (NM_001272003.2); short protein forms H1196Q, H1220Q.
Identifiers: ClinVar variation 1360917 (VCV001360917.7), dbSNP rs868847760, ClinGen allele CA375494472.
Genomic context (GRCh38, chr9:135,792,113, plus strand): 5'-CTCCGACCCCCTGGCTCACGTGGCCAGCAGCTCCCAGAGCCGGAAGAGCAGCTGCAGCCA[C>G]AAGCTGTCGTCCTGCAACCCCGAGACTCGCGACGAGACACAGCTCTGAGCCAGCCCTGCA-3'
Protein context (NP_065873.2, residues 1210-1230): SSQSRKSSCS[His1220Gln]KLSSCNPETR

ClinVar aggregate classification (germline): Uncertain significance. Review status: criteria provided, multiple submitters, no conflicts (2 of 4 stars). 2 submissions from 2 submitters: Uncertain significance (2). Last evaluated 2023-04-26.

Conditions:
Autosomal dominant nocturnal frontal lobe epilepsy 5. Also called: Epilepsy, nocturnal frontal lobe, 5; CILIARY DYSKINESIA, PRIMARY, 28, WITHOUT SITUS INVERSUS; CILIARY DYSKINESIA, PRIMARY, 28, WITH SITUS INVERSUS; KCNT1-Related Epilepsy. Identifiers: Orphanet 98784, MedGen C3554306, MONDO:0014002, OMIM 615005.
Developmental and epileptic encephalopathy, 14 (DEE14). Also called: Early infantile epileptic encephalopathy 14. Identifiers: Orphanet 293181, MedGen C3554195, MONDO:0013989, OMIM 614959.

Allele frequency attached by ClinVar (database versions not stated): gnomAD 0.00001; gnomAD exomes 0.00002; TOPMed 0.00005.
gnomAD v4.1: 4 of 1,605,642 alleles (0.00025%); highest among the groups gnomAD compares: Admixed American, 0.0067%; no homozygotes.

Submissions (2):

Athena Diagnostics
Classification: Uncertain significance. Last evaluated: 2023-04-26. Review status: criteria provided, single submitter. Criteria: Athena Diagnostics Criteria. Collection method: clinical testing. Allele origin: unknown.
Comment: Available data are insufficient to determine the clinical significance of the variant at this time. The frequency of this variant in the general population is uninformative in assessment of its pathogenicity. Computational tools predict that this variant is not damaging.

Labcorp Genetics (formerly Invitae), Labcorp
Classification: Uncertain significance for Autosomal dominant nocturnal frontal lobe epilepsy 5; Developmental and epileptic encephalopathy, 14. Last evaluated: 2022-08-09. Review status: criteria provided, single submitter. Criteria: Invitae Variant Classification Sherloc (09022015). Collection method: clinical testing. Allele origin: germline.
Comment: This sequence change replaces histidine, which is basic and polar, with glutamine, which is neutral and polar, at codon 1220 of the KCNT1 protein (p.His1220Gln). This variant is present in population databases (no rsID available, gnomAD 0.009%). This variant has not been reported in the literature in individuals affected with KCNT1-related conditions. ClinVar contains an entry for this variant (Variation ID: 1360917). Advanced modeling of protein sequence and biophysical properties (such as structural, functional, and spatial information, amino acid conservation, physicochemical variation, residue mobility, and thermodynamic stability) performed at Invitae indicates that this missense variant is not expected to disrupt KCNT1 protein function. In summary, the available evidence is currently insufficient to determine the role of this variant in disease. Therefore, it has been classified as a Variant of Uncertain Significance.